The following is an entry in ClinVar:

NM_001184880.2(PCDH19):c.1210A>G (p.Thr404Ala)

Gene: PCDH19 (protocadherin 19; minus strand). Cytogenetic location: Xq22.1.
Variant type: single nucleotide variant.
Coding change: c.1210A>G on transcript NM_001184880.2 (MANE Select); coding-DNA position 1210, A replaced by G.
Protein change: p.Thr404Ala; replaces threonine 404 with alanine.
Molecular consequence: missense variant.
Genome position (GRCh38, 1-based): chrX:100,407,388, T>C on the plus strand (A>G on the coding strand, the complement: PCDH19 is on the minus strand). VCF-style: chrX-100407388-T-C. GRCh37 (hg19) VCF-style: chrX-99662386-T-C.
Other names: c.1210A>G, p.Thr404Ala (NM_001105243.2, NM_020766.3); short protein forms T404A.
Identifiers: ClinVar variation 1005673 (VCV001005673.11), dbSNP rs746891808, ClinGen allele CA10468909.

ClinVar aggregate classification (germline): Uncertain significance. Review status: criteria provided, multiple submitters, no conflicts (2 of 4 stars). 2 submissions from 2 submitters: Uncertain significance (2). Last evaluated 2024-09-10.

Conditions:
Developmental and epileptic encephalopathy, 9 (DEE9). Also called: Early infantile epileptic encephalopathy 9; EPILEPSY, FEMALE-RESTRICTED, WITH MENTAL RETARDATION; JUBERG-HELLMAN SYNDROME; PCDH19-Related X-Linked Female-Limited Epilepsy with Mental Retardation. Identifiers: Orphanet 101039, Orphanet 2076, MedGen C1848137, MONDO:0010246, OMIM 300088. Disease mechanism: loss of function.

Allele frequency attached by ClinVar (database versions not stated): ExAC 0.00001; gnomAD exomes 0.00001; TOPMed 0.00001; gnomAD 0.00002.
gnomAD v4.1: 15 of 1,210,848 alleles (0.0012%); highest among the groups gnomAD compares: Non-Finnish European, 0.0017%; no homozygotes.

Submissions (2):

Labcorp Genetics (formerly Invitae), Labcorp
Classification: Uncertain significance for Developmental and epileptic encephalopathy, 9. Last evaluated: 2024-09-10. Review status: criteria provided, single submitter. Criteria: Invitae Variant Classification Sherloc (09022015). Collection method: clinical testing. Allele origin: germline.
Comment: This sequence change replaces threonine, which is neutral and polar, with alanine, which is neutral and non-polar, at codon 404 of the PCDH19 protein (p.Thr404Ala). The frequency data for this variant in the population databases is considered unreliable, as metrics indicate poor data quality at this position in the gnomAD database. This variant has not been reported in the literature in individuals affected with PCDH19-related conditions. ClinVar contains an entry for this variant (Variation ID: 1005673). Invitae Evidence Modeling of protein sequence and biophysical properties (such as structural, functional, and spatial information, amino acid conservation, physicochemical variation, residue mobility, and thermodynamic stability) has been performed for this missense variant. However, the output from this modeling did not meet the statistical confidence thresholds required to predict the impact of this variant on PCDH19 protein function. This variant disrupts the p.Thr404 amino acid residue in PCDH19. Other variant(s) that disrupt this residue have been determined to be pathogenic (PMID: 20713952; internal data). This suggests that this residue is clinically significant, and that variants that disrupt this residue are likely to be disease-causing. In summary, the available evidence is currently insufficient to determine the role of this variant in disease. Therefore, it has been classified as a Variant of Uncertain Significance.

Victorian Clinical Genetics Services, Murdoch Childrens Research Institute
Classification: Uncertain significance for Developmental and epileptic encephalopathy, 9. Last evaluated: 2021-05-06. Review status: criteria provided, single submitter. Criteria: ACMG Guidelines, 2015. Collection method: clinical testing. Allele origin: germline. Inheritance: X-linked inheritance. Affected: yes.
Comment: Based on the classification scheme VCGS_Germline_v1.3.4, this variant is classified as VUS-3A. Following criteria are met: 0102 - Loss of function is a known mechanism of disease in this gene and is associated with X-linked developmental and epileptic encephalopathy 9 (MIM#300088). (I) 0110 - This gene is associated with X-linked disease. Heterozygous females and mosaic males are affected, however hemizygous males do not present with symptoms (PMID: 28669061). (I) 0200 - Variant is predicted to result in a missense amino acid change from threonine to alanine. (I) 0251 - This variant is heterozygous. (I) 0302 - Variant is present in gnomAD (v3) <0.001 for a dominant condition (1 heterozygote, 0 homozygotes, 1 hemizygote). (SP) 0502 - Missense variant with conflicting in silico predictions and uninformative conservation. (I) 0603 - Missense variant in a region that is highly intolerant to missense variation (high constraint region in DECIPHER). (SP) 0704 - Another missense variant comparable to the one identified in this case has limited previous evidence for pathogenicity. (SP) 0807 - This variant has no previous evidence of pathogenicity. (I) 0905 - No published segregation evidence has been identified for this variant. (I) 1007 - No published functional evidence has been identified for this variant. (I) Legend: (SP) - Supporting pathogenic, (I) - Information, (SB) - Supporting benign

Literature cited by the submitters: PubMed 20713952 (cited by Labcorp Genetics (formerly Invitae), Labcorp and Victorian Clinical Genetics Services, Murdoch Childrens Research Institute); PubMed 28669061 (cited by Victorian Clinical Genetics Services, Murdoch Childrens Research Institute).